The following is an entry in ClinVar:

ClinVar aggregate classification (germline): Conflicting classifications of pathogenicity. Review status: criteria provided, conflicting classifications (1 of 4 stars). 3 submissions from 3 submitters: Uncertain significance (2); Likely benign (1). Last evaluated 2023-03-23.

Conditions:
Hereditary cancer-predisposing syndrome. Also called: Neoplastic Syndromes, Hereditary; Tumor predisposition; Hereditary Cancer Syndrome; Hereditary neoplastic syndrome. Identifiers: Orphanet 140162, MedGen C0027672, MeSH D009386, MONDO:0015356.

Submissions (3):

University of Washington Department of Laboratory Medicine, University of Washington
Classification: Likely benign for Hereditary cancer-predisposing syndrome. Last evaluated: 2023-03-23. Review status: criteria provided, single submitter. Criteria: Dines et al. (Genet Med. 2020). Collection method: curation. Allele origin: germline.
Comment: Missense variant in a coldspot region where missense variants are very unlikely to be pathogenic (PMID:31911673).

BRCA1 coldspot (exon 11 using historical exon numbering). Reclassification based on statistical prior probability

Ambry Genetics
Classification: Uncertain significance for Hereditary cancer-predisposing syndrome. Last evaluated: 2021-03-10. Review status: criteria provided, single submitter. Criteria: Ambry Variant Classification Scheme 2023. Collection method: clinical testing. Allele origin: germline.
Comment: The p.Q921K variant (also known as c.2761C>A), located in coding exon 9 of the BRCA1 gene, results from a C to A substitution at nucleotide position 2761. The glutamine at codon 921 is replaced by lysine, an amino acid with similar properties. This amino acid position is well conserved in available vertebrate species. In addition, the in silico prediction for this alteration is inconclusive. Since supporting evidence is limited at this time, the clinical significance of this alteration remains unclear.

Color Diagnostics, LLC DBA Color Health
Classification: Uncertain significance for Hereditary cancer-predisposing syndrome. Last evaluated: 2019-02-26. Review status: criteria provided, single submitter. Criteria: ACMG Guidelines, 2015. Collection method: clinical testing. Allele origin: germline.

NM_007294.4(BRCA1):c.2761C>A (p.Gln921Lys)

Gene: BRCA1 (BRCA1 DNA repair associated; minus strand). Cytogenetic location: 17q21.31.
Variant type: single nucleotide variant.
Coding change: c.2761C>A on transcript NM_007294.4 (MANE Select); coding-DNA position 2761, C replaced by A.
Protein change: p.Gln921Lys; replaces glutamine 921 with lysine.
Molecular consequence: missense variant. On other transcripts: intron variant (137).
Genome position (GRCh38, 1-based): chr17:43,092,770, G>T on the plus strand (C>A on the coding strand, the complement: BRCA1 is on the minus strand). VCF-style: chr17-43092770-G-T. GRCh37 (hg19) VCF-style: chr17-41244787-G-T.
Other names: c.2620C>A, p.Gln874Lys (NM_001407751.1, NM_001407752.1, NM_001407692.1 and 29 more transcripts); c.2617C>A, p.Gln873Lys (NM_001407838.1, NM_001407839.1, NM_001407847.1 and 20 more transcripts); c.2638C>A, p.Gln880Lys (NM_001407676.1, NM_001407677.1, NM_001407678.1 and 19 more transcripts); c.2761C>A, p.Gln921Lys (NM_001407684.1, NM_001407854.1, NM_001407858.1 and 30 more transcripts); c.2635C>A, p.Gln879Lys (NM_001407685.1, NM_001407686.1, NM_001407687.1 and 11 more transcripts); c.2548C>A, p.Gln850Lys (NM_001407853.1, NM_001407894.1, NM_001407895.1 and 9 more transcripts); c.2758C>A, p.Gln920Lys (NM_001407860.1, NM_001407861.1, NM_001407587.1 and 22 more transcripts); c.2560C>A, p.Gln854Lys (NM_001407862.1); and 41 more; short protein forms Q921K, Q874K, Q793K, Q810K, Q851K, Q853K, Q794K, Q832K.
Identifiers: ClinVar variation 921786 (VCV000921786.7), dbSNP rs80357377, ClinGen allele CA10596471.